The following is an entry in ClinVar:

ClinVar aggregate classification (germline): Uncertain significance (1 of 4 stars; one submission).

Allele frequency attached by ClinVar (database versions not stated): TOPMed below 0.00001; gnomAD 0.00001.
gnomAD v4.1: 2 of 1,611,532 alleles (0.00012%); highest among the groups gnomAD compares: Non-Finnish European, 0.00017%; no homozygotes.

Submission:

GeneDx
Classification: Uncertain significance. Last evaluated: 2023-01-10. Review status: criteria provided, single submitter. Criteria: GeneDx Variant Classification Process June 2021. Collection method: clinical testing. Allele origin: germline. Affected: yes.
Comment: Not observed at significant frequency in large population cohorts (gnomAD); In silico analysis supports that this missense variant has a deleterious effect on protein structure/function; Has not been previously published as pathogenic or benign to our knowledge

NM_078480.3(PUF60):c.1220C>T (p.Pro407Leu)

Gene: PUF60 (poly(U) binding splicing factor 60; minus strand). Cytogenetic location: 8q24.3.
Variant type: single nucleotide variant.
Coding change: c.1220C>T on transcript NM_078480.3 (MANE Select); coding-DNA position 1220, C replaced by T.
Protein change: p.Pro407Leu; replaces proline 407 with leucine.
Molecular consequence: missense variant.
Genome position (GRCh38, 1-based): chr8:143,817,070, G>A on the plus strand (C>T on the coding strand, the complement: PUF60 is on the minus strand). VCF-style: chr8-143817070-G-A. GRCh37 (hg19) VCF-style: chr8-144899240-G-A.
Other names: c.1091C>T, p.Pro364Leu (NM_001136033.3); c.1166C>T, p.Pro389Leu (NM_001271096.2); c.1082C>T, p.Pro361Leu (NM_001271097.2); c.1217C>T, p.Pro406Leu (NM_001271098.2); c.1133C>T, p.Pro378Leu (NM_001271099.2); c.1040C>T, p.Pro347Leu (NM_001271100.2); c.1331C>T, p.Pro444Leu (NM_001362895.2, NM_001362896.2); c.1280C>T, p.Pro427Leu (NM_001362897.2); and 1 more; short protein forms P347L, P361L, P364L, P378L, P389L, P390L, P406L, P407L.
Identifiers: ClinVar variation 2571980 (VCV002571980.1), dbSNP rs1479023389, ClinGen allele CA372487512.